The following is an entry in ClinVar:

ClinVar aggregate classification (germline): Pathogenic (1 of 4 stars; one submission).

Conditions:
Capillary malformation-arteriovenous malformation syndrome. Also called: Capillary malformation-arteriovenous malformation. Identifiers: Orphanet 137667, MedGen C1842180, MONDO:0012016.

Submission:

Labcorp Genetics (formerly Invitae), Labcorp
Classification: Pathogenic for Capillary malformation-arteriovenous malformation syndrome. Last evaluated: 2022-04-07. Review status: criteria provided, single submitter. Criteria: Invitae Variant Classification Sherloc (09022015). Collection method: clinical testing. Allele origin: germline.
Comment: This sequence change creates a premature translational stop signal (p.Tyr874Leufs*11) in the RASA1 gene. It is expected to result in an absent or disrupted protein product. Loss-of-function variants in RASA1 are known to be pathogenic (PMID: 24038909). This variant is not present in population databases (gnomAD no frequency). This variant has not been reported in the literature in individuals affected with RASA1-related conditions. For these reasons, this variant has been classified as Pathogenic.

Literature cited by the submitters: PubMed 24038909.

NM_002890.3(RASA1):c.2620dup (p.Tyr874fs)

Genes: CCNH (cyclin H; minus strand), RASA1 (RAS p21 protein activator 1; plus strand). Cytogenetic location: 5q14.3.
Variant type: Duplication.
Coding change: c.2620dup on transcript NM_002890.3 (MANE Select); coding-DNA position 2620, one base duplicated (T; older notation c.2620dupT).
Protein change: p.Tyr874fs; shifts the reading frame from tyrosine 874.
Molecular consequence: frameshift variant. On other transcripts: intron variant (1).
Genome position (GRCh38, 1-based): chr5:87,380,525, T duplicated; the last of 3 consecutive T bases (chr5:87,380,523-87,380,525); duplicating any one gives the same sequence. VCF-style (leftmost placement, unchanged base first): chr5-87380522-A-AT. GRCh37 (hg19) VCF-style: chr5-86676339-A-AT.
Other names: c.2089dup, p.Tyr697fs (NM_022650.3); c.933+14521dup (NM_001364075.2); short protein forms Y874fs, Y697fs.
Identifiers: ClinVar variation 2098579 (VCV002098579.4), dbSNP rs2531362827, ClinGen allele CA2580073680.